The following is an entry in ClinVar:

ClinVar aggregate classification (germline): Likely pathogenic (1 of 4 stars; one submission).

gnomAD v4.1: 1 of 1,583,686 alleles (0.000063%); highest among the groups gnomAD compares: Admixed American, 0.0017%; no homozygotes.

Submission:

Mayo Clinic Laboratories, Mayo Clinic
Classification: Likely pathogenic. Last evaluated: 2024-02-02. Review status: criteria provided, single submitter. Criteria: ACMG Guidelines, 2015. Collection method: clinical testing. Allele origin: germline. Observed: 1 variant allele.
Comment: PM2, PVS1

NM_000443.4(ABCB4):c.2781C>A (p.Tyr927Ter)

Gene: ABCB4 (ATP binding cassette subfamily B member 4; minus strand). Cytogenetic location: 7q21.12.
Variant type: single nucleotide variant.
Coding change: c.2781C>A on transcript NM_000443.4 (MANE Select); coding-DNA position 2781, C replaced by A.
Protein change: p.Tyr927Ter; replaces tyrosine 927 with a stop codon.
Molecular consequence: nonsense.
Genome position (GRCh38, 1-based): chr7:87,413,619, G>T on the plus strand (C>A on the coding strand, the complement: ABCB4 is on the minus strand). VCF-style: chr7-87413619-G-T. GRCh37 (hg19) VCF-style: chr7-87042935-G-T.
Other names: p.Tyr927*; c.2781C>A, p.Tyr927Ter (NM_018849.3, NM_018850.3); short protein forms Y927*.
Identifiers: ClinVar variation 3381024 (VCV003381024.1).